The following is an entry in ClinVar:

ClinVar aggregate classification (germline): Uncertain significance (1 of 4 stars; one submission).

Allele frequency attached by ClinVar (database versions not stated): gnomAD exomes below 0.00001.
gnomAD v4.1: 2 of 1,605,642 alleles (0.00012%); highest among the groups gnomAD compares: Non-Finnish European, 0.00017%; no homozygotes.

Submission:

GeneDx
Classification: Uncertain significance. Last evaluated: 2026-01-18. Review status: criteria provided, single submitter. Criteria: GeneDx Variant Classification Process June 2021. Collection method: clinical testing. Allele origin: germline. Affected: yes.
Comment: Not observed at significant frequency in large population cohorts (gnomAD); In silico analysis supports that this missense variant has a deleterious effect on protein structure/function; Has not been previously published as pathogenic or benign to our knowledge

NM_001130021.3(ATP6V0A1):c.593G>A (p.Arg198Gln)

Gene: ATP6V0A1 (ATPase H+ transporting V0 subunit a1; plus strand). Cytogenetic location: 17q21.2.
Variant type: single nucleotide variant.
Coding change: c.593G>A on transcript NM_001130021.3 (MANE Select); coding-DNA position 593, G replaced by A.
Protein change: p.Arg198Gln; replaces arginine 198 with glutamine.
Molecular consequence: missense variant. On other transcripts: intron variant (2).
Genome position (GRCh38, 1-based): chr17:42,478,549, G>A. VCF-style: chr17-42478549-G-A. GRCh37 (hg19) VCF-style: chr17-40630567-G-A.
Other names: c.614G>A, p.Arg205Gln (NM_001130020.3, NM_001378522.1, NM_001378523.1 and 5 more transcripts); c.593G>A, p.Arg198Gln (NM_001378530.1, NM_001378533.1, NM_001378535.1 and 10 more transcripts); c.485G>A, p.Arg162Gln (NM_001378536.1, NM_001378556.1, NM_001378550.1); c.464G>A, p.Arg155Gln (NM_001378538.1, NM_001378540.1); c.434G>A, p.Arg145Gln (NM_001378553.1, NM_001378543.1); c.424-2118G>A (NM_001378545.1, NM_001378554.1); c.413G>A, p.Arg138Gln (NM_001378549.1); short protein forms R138Q, R145Q, R155Q, R162Q, R198Q, R205Q.
Identifiers: ClinVar variation 1723492 (VCV001723492.4), dbSNP rs2510108000, ClinGen allele CA399583946.